The following is an entry in ClinVar:

ClinVar aggregate classification (germline): Uncertain significance (1 of 4 stars; one submission).

Submission:

Labcorp Genetics (formerly Invitae), Labcorp
Classification: Uncertain significance. Last evaluated: 2024-06-25. Review status: criteria provided, single submitter. Criteria: Invitae Variant Classification Sherloc (09022015). Collection method: clinical testing. Allele origin: germline.
Comment: This sequence change replaces threonine, which is neutral and polar, with methionine, which is neutral and non-polar, at codon 1508 of the ABCC8 protein (p.Thr1508Met). This variant is present in population databases (rs376693586, gnomAD 0.02%). This variant has not been reported in the literature in individuals affected with ABCC8-related conditions. Advanced modeling of protein sequence and biophysical properties (such as structural, functional, and spatial information, amino acid conservation, physicochemical variation, residue mobility, and thermodynamic stability) performed at Invitae indicates that this missense variant is expected to disrupt ABCC8 protein function with a positive predictive value of 95%. In summary, the available evidence is currently insufficient to determine the role of this variant in disease. Therefore, it has been classified as a Variant of Uncertain Significance.

NM_000352.6(ABCC8):c.4523C>T (p.Thr1508Met)

Gene: ABCC8 (ATP binding cassette subfamily C member 8; minus strand). Cytogenetic location: 11p15.1.
Variant type: single nucleotide variant.
Coding change: c.4523C>T on transcript NM_000352.6 (MANE Select); coding-DNA position 4523, C replaced by T.
Protein change: p.Thr1508Met; replaces threonine 1508 with methionine.
Molecular consequence: missense variant. On other transcripts: non-coding transcript variant (1).
Genome position (GRCh38, 1-based): chr11:17,394,288, G>A on the plus strand (C>T on the coding strand, the complement: ABCC8 is on the minus strand). VCF-style: chr11-17394288-G-A. GRCh37 (hg19) VCF-style: chr11-17415835-G-A.
Other names: c.4526C>T, p.Thr1509Met (NM_001287174.3); c.4589C>T, p.Thr1530Met (NM_001351295.2); c.4523C>T, p.Thr1508Met (NM_001351296.2); c.4520C>T, p.Thr1507Met (NM_001351297.2); short protein forms T1509M, T1530M, T1508M, T1507M.
Identifiers: ClinVar variation 3702640 (VCV003702640.1).